The following is an entry in ClinVar:

NM_152703.5(SAMD9L):c.234G>C (p.Lys78Asn)

Gene: SAMD9L (sterile alpha motif domain containing 9 like; minus strand). Cytogenetic location: 7q21.2.
Variant type: single nucleotide variant.
Coding change: c.234G>C on transcript NM_152703.5 (MANE Select); coding-DNA position 234, G replaced by C.
Protein change: p.Lys78Asn; replaces lysine 78 with asparagine.
Molecular consequence: missense variant.
Genome position (GRCh38, 1-based): chr7:93,135,738, C>G on the plus strand (G>C on the coding strand, the complement: SAMD9L is on the minus strand). VCF-style: chr7-93135738-C-G. GRCh37 (hg19) VCF-style: chr7-92765051-C-G.
Other names: c.234G>C, p.Lys78Asn (NM_001303496.3, NM_001303497.3, NM_001303498.3 and 5 more transcripts); short protein forms K78N.
Identifiers: ClinVar variation 4630068 (VCV004630068.2).
Genomic context (GRCh38, chr7:93,135,738, plus strand): 5'-TGTTTTGGACGGTTTTGAATTATCTAATTGTCCCGGATCATGATTGTCACTTTCAGGGGA[C>G]TTACTATTCAATTTGTTGTATGAACGTTTTATCAAAAGTGCTGGACCCCATGGTAGCCCC-3'
Protein context (NP_689916.2, residues 68-88): IKRSYNKLNS[Lys78Asn]SPESDNHDPG

ClinVar aggregate classification (germline): Uncertain significance. Review status: criteria provided, multiple submitters, no conflicts (2 of 4 stars). 2 submissions from 2 submitters: Uncertain significance (2). Last evaluated 2025-11-12.

Conditions:
Inborn genetic diseases. Identifiers: MedGen C0950123, MeSH D030342.

Submissions (2):

Labcorp Genetics (formerly Invitae), Labcorp
Classification: Uncertain significance. Last evaluated: 2025-11-12. Review status: criteria provided, single submitter. Criteria: Invitae Variant Classification Sherloc (09022015). Collection method: clinical testing. Allele origin: germline.
Comment: This sequence change replaces lysine, which is basic and polar, with asparagine, which is neutral and polar, at codon 78 of the SAMD9L protein (p.Lys78Asn). This variant is not present in population databases (gnomAD no frequency). This variant has not been reported in the literature in individuals affected with SAMD9L-related conditions. An algorithm developed to predict the effect of missense changes on protein structure and function (PolyPhen-2) suggests that this variant is likely to be tolerated. In summary, the available evidence is currently insufficient to determine the role of this variant in disease. Therefore, it has been classified as a Variant of Uncertain Significance.

Ambry Genetics
Classification: Uncertain significance for Inborn genetic diseases. Last evaluated: 2025-10-22. Review status: criteria provided, single submitter. Criteria: Ambry Variant Classification Scheme 2023. Collection method: clinical testing. Allele origin: germline.
Comment: The p.K78N variant (also known as c.234G>C), located in coding exon 1 of the SAMD9L gene, results from a G to C substitution at nucleotide position 234. The lysine at codon 78 is replaced by asparagine, an amino acid with similar properties. This amino acid position is conserved. In addition, this alteration is predicted to be tolerated by in silico analysis. Based on the available evidence, the clinical significance of this variant remains unclear.